The following is an entry in ClinVar:

ClinVar aggregate classification (germline): Uncertain significance. Review status: criteria provided, multiple submitters, no conflicts (2 of 4 stars). 2 submissions from 2 submitters: Uncertain significance (2). Last evaluated 2023-08-05.

Conditions:
Familial cancer of breast. Also called: BREAST CANCER, FAMILIAL; Hereditary breast cancer; hereditary breast carcinoma. Identifiers: Orphanet 227535, MedGen C0346153, MONDO:0016419, OMIM 114480. Disease mechanism: loss of function.

Submissions (2):

Baylor Genetics
Classification: Uncertain significance for Familial cancer of breast. Last evaluated: 2023-08-05. Review status: criteria provided, single submitter. Criteria: ACMG Guidelines, 2015. Collection method: clinical testing. Allele origin: unknown.

Labcorp Genetics (formerly Invitae), Labcorp
Classification: Uncertain significance for Familial cancer of breast. Last evaluated: 2021-11-03. Review status: criteria provided, single submitter. Criteria: Invitae Variant Classification Sherloc (09022015). Collection method: clinical testing. Allele origin: germline.
Comment: In summary, the available evidence is currently insufficient to determine the role of this variant in disease. Therefore, it has been classified as a Variant of Uncertain Significance. Algorithms developed to predict the effect of missense changes on protein structure and function (SIFT, PolyPhen-2, Align-GVGD) all suggest that this variant is likely to be disruptive. This variant has not been reported in the literature in individuals affected with BARD1-related conditions. This variant is not present in population databases (gnomAD no frequency). This sequence change replaces asparagine, which is neutral and polar, with lysine, which is basic and polar, at codon 425 of the BARD1 protein (p.Asn425Lys).

NM_000465.4(BARD1):c.1275T>A (p.Asn425Lys)

Gene: BARD1 (BRCA1 associated RING domain 1; minus strand). Cytogenetic location: 2q35.
Variant type: single nucleotide variant.
Coding change: c.1275T>A on transcript NM_000465.4 (MANE Select); coding-DNA position 1275, T replaced by A.
Protein change: p.Asn425Lys; replaces asparagine 425 with lysine.
Molecular consequence: missense variant. On other transcripts: non-coding transcript variant (2), intron variant (3).
Genome position (GRCh38, 1-based): chr2:214,780,599, A>T on the plus strand (T>A on the coding strand, the complement: BARD1 is on the minus strand). VCF-style: chr2-214780599-A-T. GRCh37 (hg19) VCF-style: chr2-215645323-A-T.
Other names: c.1218T>A, p.Asn406Lys (NM_001282543.2); c.159-28044T>A (NM_001282548.2); c.215+16462T>A (NM_001282545.2); c.364+11698T>A (NM_001282549.2); short protein forms N425K, N406K.
Identifiers: ClinVar variation 1363801 (VCV001363801.8), dbSNP rs2106107701, ClinGen allele CA350453439.